The following is an entry in ClinVar:

NC_012920.1(MT-TV):m.1608G>A

Gene: MT-TV (mitochondrially encoded tRNA valine; plus strand).
Variant type: single nucleotide variant.
Genome position: chrM-1608-G-A.
Identifiers: ClinVar variation 689834 (VCV000689834.1), dbSNP rs1603218582, ClinGen allele CA913163121.

ClinVar aggregate classification (germline): Uncertain significance (1 of 4 stars; one submission).

Conditions:
MELAS syndrome (MELAS). Also called: Juvenile myopathy, encephalopathy, lactic acidosis, stroke. Identifiers: Orphanet 550, MedGen C0162671, MONDO:0010789, OMIM 540000.

Submission:

Wong Mito Lab, Molecular and Human Genetics, Baylor College of Medicine
Classification: Uncertain significance for MELAS syndrome. Last evaluated: 2019-07-12. Review status: criteria provided, single submitter. Criteria: Modified ACMG Guidelines (Unpublished). Collection method: clinical testing. Allele origin: germline.
Comment: The NC_012920.1:m.1608G>A variant in MT-TV gene is interpreted to be a Unknown Significance variant based on the modified ACMG guidelines (unpublished). This variant meets the following evidence codes reported in the guidelines: PP3, PP6

Literature cited by the submitters: PubMed 31965079.